The following is an entry in ClinVar:

NM_000044.6(AR):c.1029T>C (p.Ser343=)

Gene: AR (androgen receptor; plus strand). Cytogenetic location: Xq12.
Variant type: single nucleotide variant.
Coding change: c.1029T>C on transcript NM_000044.6 (MANE Select); coding-DNA position 1029, T replaced by C.
Protein change: p.Ser343=; no amino-acid change (serine 343 retained).
Molecular consequence: synonymous variant. On other transcripts: 5 prime UTR variant (1).
Genome position (GRCh38, 1-based): chrX:67,546,175, T>C. VCF-style: chrX-67546175-T-C. GRCh37 (hg19) VCF-style: chrX-66766017-T-C.
Other names: c.1029T>C, p.Ser343= (NM_001348064.1, NM_001348061.1, NM_001348063.1); c.-755T>C (NM_001011645.3).
Identifiers: ClinVar variation 1336058 (VCV001336058.15), dbSNP rs113983339, ClinGen allele CA10436352.

ClinVar aggregate classification (germline): Benign. Review status: criteria provided, multiple submitters, no conflicts (2 of 4 stars). 3 submissions from 3 submitters: Benign (2). 1 of the submissions does not count toward it. Last evaluated 2026-01-19.

Conditions:
AR-related disorder. Also called: AR-related condition.
Kennedy disease (SMAX1). Also called: SPINAL AND BULBAR MUSCULAR ATROPHY, X-LINKED 1; KENNEDY SPINAL AND BULBAR MUSCULAR ATROPHY; Spinal and Bulbar Muscular Atrophy. Identifiers: Orphanet 481, MedGen C1839259, MONDO:0010735, OMIM 313200.
Androgen resistance syndrome (AIS). Also called: Androgen insensitivity, complete; ANDROGEN RECEPTOR DEFICIENCY; DIHYDROTESTOSTERONE RECEPTOR DEFICIENCY; Androgen insensitivity syndrome due to coactivator deficiency; Androgen insensitivity; TESTICULAR FEMINIZATION SYNDROME. Identifiers: Orphanet 754, Orphanet 99429, MedGen C0039585, MONDO:0019154, OMIM 300068. Disease mechanism: loss of function.

Allele frequency attached by ClinVar (database versions not stated): gnomAD exomes 0.00045 and 0.00126; ExAC 0.00171; 1000 Genomes Project 0.00397; 1000 Genomes Project 30x 0.00416; gnomAD 0.00437 and 0.00467; TOPMed 0.00496; ESP Exome Variant Server 0.00634.
gnomAD v4.1: 1,014 of 1,211,082 alleles (0.084%); highest among the groups gnomAD compares: African/African-American, 1.6%; 6 homozygotes.

Submissions (3):

Labcorp Genetics (formerly Invitae), Labcorp
Classification: Benign for Kennedy disease; Androgen resistance syndrome. Last evaluated: 2026-01-19. Review status: criteria provided, single submitter. Criteria: Invitae Variant Classification Sherloc (09022015). Collection method: clinical testing. Allele origin: germline.

Genetic Services Laboratory, University of Chicago
Classification: Benign. Last evaluated: 2017-09-26. Review status: criteria provided, single submitter. Criteria: ACMG Guidelines, 2015. Collection method: clinical testing. Allele origin: germline. Affected: no.

PreventionGenetics, part of Exact Sciences
Classification: Benign for AR-related condition. Last evaluated: 2019-05-15. Review status: no assertion criteria provided. Collection method: clinical testing. Allele origin: germline. Not counted in ClinVar's aggregate classification.
Comment: This variant is classified as benign based on ACMG/AMP sequence variant interpretation guidelines (Richards et al. 2015 PMID: 25741868, with internal and published modifications).